The following is an entry in ClinVar:

ClinVar aggregate classification (germline): Uncertain significance (1 of 4 stars; one submission).

Conditions:
Niemann-Pick disease, type A. Also called: SPHINGOMYELIN LIPIDOSIS; SPHINGOMYELINASE DEFICIENCY; Infantile Neurovisceral ASMD (Niemann-Pick Disease Type A; NPD-A). Identifiers: Orphanet 77292, MedGen C0268242, MONDO:0009756, OMIM 257200. Disease mechanism: loss of function.

Submission:

Foundation for Research in Genetics and Endocrinology, FRIGE's Institute of Human Genetics
Classification: Uncertain significance for Niemann-Pick disease, type A. Last evaluated: 2025-01-17. Review status: criteria provided, single submitter. Criteria: ACMG Guidelines, 2015. Collection method: clinical testing. Allele origin: germline. Inheritance: Autosomal recessive inheritance. Affected: yes. Observed: 1 homozygote.
Comment: A homozygous missense variant in exon 2 of the SMPD1 gene that results in the amino acid substitution of Isoleucine for Threonine at codon 299 was detected. The observed variant c.896C>T (p.Thr299Ile) has not been reported in the 1000 genomes and gnomAD databases. The in silico prediction of the variant is damaging by DANN and MVP. In summary, the variant meets our criteria to be classified as a variant of uncertain significance.

NM_000543.5(SMPD1):c.896C>T (p.Thr299Ile)

Gene: SMPD1 (sphingomyelin phosphodiesterase 1; plus strand). Cytogenetic location: 11p15.4.
Variant type: single nucleotide variant.
Coding change: c.896C>T on transcript NM_000543.5 (MANE Select); coding-DNA position 896, C replaced by T.
Protein change: p.Thr299Ile; replaces threonine 299 with isoleucine.
Molecular consequence: missense variant. On other transcripts: 5 prime UTR variant (1), non-coding transcript variant (1).
Genome position (GRCh38, 1-based): chr11:6,391,961, C>T. VCF-style: chr11-6391961-C-T. GRCh37 (hg19) VCF-style: chr11-6413191-C-T.
Other names: p.Thr299Ile; c.893C>T, p.Thr298Ile (NM_001007593.3); c.896C>T, p.Thr299Ile (NM_001318087.2, NM_001365135.2); c.-66C>T (NM_001318088.2); short protein forms T298I, T299I.
Identifiers: ClinVar variation 3600292 (VCV003600292.2).
Genomic context (GRCh38, chr11:6,391,961, plus strand): 5'-GAGACATCCCCGCACATGATGTCTGGCACCAGACTCGTCAGGACCAACTGCGGGCCCTGA[C>T]CACCGTCACAGCACTTGTGAGGAAGTTCCTGGGGCCAGTGCCAGTGTACCCTGCTGTGGG-3'
Protein context (NP_000534.3, residues 289-309): QTRQDQLRAL[Thr299Ile]TVTALVRKFL